The following is an entry in ClinVar:

NM_003239.5(TGFB3):c.551G>A (p.Arg184His)

Gene: TGFB3 (transforming growth factor beta 3; minus strand). Cytogenetic location: 14q24.3.
Variant type: single nucleotide variant.
Coding change: c.551G>A on transcript NM_003239.5 (MANE Select); coding-DNA position 551, G replaced by A.
Protein change: p.Arg184His; replaces arginine 184 with histidine.
Molecular consequence: missense variant.
Genome position (GRCh38, 1-based): chr14:75,971,221, C>T on the plus strand (G>A on the coding strand, the complement: TGFB3 is on the minus strand). VCF-style: chr14-75971221-C-T. GRCh37 (hg19) VCF-style: chr14-76437564-C-T.
Other names: c.551G>A, p.Arg184His (NM_001329938.2, NM_001329939.2); short protein forms R184H.
Identifiers: ClinVar variation 835026 (VCV000835026.13), dbSNP rs996991722, ClinGen allele CA263706699.

ClinVar aggregate classification (germline): Uncertain significance. Review status: criteria provided, multiple submitters, no conflicts (2 of 4 stars). 3 submissions from 3 submitters: Uncertain significance (3). Last evaluated 2025-05-29.

Conditions:
Rienhoff syndrome. Also called: LOEYS-DIETZ SYNDROME 5. Identifiers: MedGen C3810012, MONDO:0014262, OMIM 615582.
Familial thoracic aortic aneurysm and aortic dissection (TAAD). Also called: Thoracic aortic aneurysms and dissections. Identifiers: Orphanet 91387, MedGen C4707243, MONDO:0019625.

Allele frequency attached by ClinVar (database versions not stated): gnomAD exomes below 0.00001; TOPMed below 0.00001.
gnomAD v4.1: 7 of 1,614,150 alleles (0.00043%); highest among the groups gnomAD compares: South Asian, 0.0033%; no homozygotes.

Submissions (3):

Labcorp Genetics (formerly Invitae), Labcorp
Classification: Uncertain significance for Rienhoff syndrome. Last evaluated: 2025-05-29. Review status: criteria provided, single submitter. Criteria: Invitae Variant Classification Sherloc (09022015). Collection method: clinical testing. Allele origin: germline.
Comment: This sequence change replaces arginine, which is basic and polar, with histidine, which is basic and polar, at codon 184 of the TGFB3 protein (p.Arg184His). This variant is not present in population databases (gnomAD no frequency). This variant has not been reported in the literature in individuals affected with TGFB3-related conditions. ClinVar contains an entry for this variant (Variation ID: 835026). Invitae Evidence Modeling of protein sequence and biophysical properties (such as structural, functional, and spatial information, amino acid conservation, physicochemical variation, residue mobility, and thermodynamic stability) indicates that this missense variant is not expected to disrupt TGFB3 protein function with a negative predictive value of 80%. In summary, the available evidence is currently insufficient to determine the role of this variant in disease. Therefore, it has been classified as a Variant of Uncertain Significance.

Ambry Genetics
Classification: Uncertain significance for Familial thoracic aortic aneurysm and aortic dissection. Last evaluated: 2024-06-20. Review status: criteria provided, single submitter. Criteria: Ambry Variant Classification Scheme 2023. Collection method: clinical testing. Allele origin: germline.

GeneDx
Classification: Uncertain significance. Last evaluated: 2019-08-20. Review status: criteria provided, single submitter. Criteria: GeneDx Variant Classification Process June 2021. Collection method: clinical testing. Allele origin: germline. Affected: yes.
Comment: Has not been previously published as pathogenic or benign to our knowledge; Not observed in large population cohorts (Lek et al., 2016); In silico analysis, which includes protein predictors and evolutionary conservation, supports a deleterious effect